The following is an entry in ClinVar:

NM_001128840.3(CACNA1D):c.3115-1G>A

Gene: CACNA1D (calcium voltage-gated channel subunit alpha1 D; plus strand). Cytogenetic location: 3p21.1.
Variant type: single nucleotide variant.
Coding change: c.3115-1G>A on transcript NM_001128840.3 (MANE Select); the canonical splice acceptor site of the intron before coding-DNA position 3115, G replaced by A.
Molecular consequence: splice acceptor variant.
Genome position (GRCh38, 1-based): chr3:53,745,822, G>A. VCF-style: chr3-53745822-G-A. GRCh37 (hg19) VCF-style: chr3-53779849-G-A.
Other names: c.3115-1G>A (NM_001128839.3); c.3175-1G>A (NM_000720.4).
Identifiers: ClinVar variation 2765438 (VCV002765438.3), dbSNP rs2473941243, ClinGen allele CA353246581.
Genomic context (GRCh38, chr3:53,745,822, plus strand): 5'-AGGTGGATTTCTTTAAGGAGAAGCCTGCATTTACTTAACTGCCTGTCTATTTTATACCCA[G>A]GGGAAGTTCTATCGCTGTACGGATGAAGCCAAAAGTAACCCTGAAGAATGCAGGTGAGCG-3'

ClinVar aggregate classification (germline): Uncertain significance (1 of 4 stars; one submission).

Allele frequency attached by ClinVar (database versions not stated): gnomAD exomes below 0.00001.
gnomAD v4.1: 1 of 1,613,572 alleles (0.000062%); highest among the groups gnomAD compares: Non-Finnish European, 0.000085%; no homozygotes.

Submission:

Labcorp Genetics (formerly Invitae), Labcorp
Classification: Uncertain significance. Last evaluated: 2023-10-04. Review status: criteria provided, single submitter. Criteria: Invitae Variant Classification Sherloc (09022015). Collection method: clinical testing. Allele origin: germline.
Comment: This sequence change affects an acceptor splice site in intron 25 of the CACNA1D gene. It is expected to disrupt RNA splicing. Variants that disrupt the donor or acceptor splice site typically lead to a loss of protein function (PMID: 16199547), however the current clinical and genetic evidence is not sufficient to establish whether loss-of-function variants in CACNA1D cause disease. This variant is not present in population databases (gnomAD no frequency). This variant has not been reported in the literature in individuals affected with CACNA1D-related conditions. Algorithms developed to predict the effect of sequence changes on RNA splicing suggest that this variant may disrupt the consensus splice site. In summary, the available evidence is currently insufficient to determine the role of this variant in disease. Therefore, it has been classified as a Variant of Uncertain Significance.

Literature cited by the submitters: PubMed 16199547.